The following is an entry in ClinVar:

NM_133444.3(ZNF526):c.479A>C (p.Lys160Thr)

Gene: ZNF526 (zinc finger protein 526; plus strand). Cytogenetic location: 19q13.2.
Variant type: single nucleotide variant.
Coding change: c.479A>C on transcript NM_133444.3 (MANE Select); coding-DNA position 479, A replaced by C.
Protein change: p.Lys160Thr; replaces lysine 160 with threonine.
Molecular consequence: missense variant.
Genome position (GRCh38, 1-based): chr19:42,224,882, A>C. VCF-style: chr19-42224882-A-C. GRCh37 (hg19) VCF-style: chr19-42729034-A-C.
Other names: c.479A>C, p.Lys160Thr (NM_001314033.3); short protein forms K160T.
Identifiers: ClinVar variation 183288 (VCV000183288.2), dbSNP rs730882205, ClinGen allele CA236026.

ClinVar aggregate classification (germline): Likely pathogenic. Review status: criteria provided, single submitter (1 of 4 stars). 3 submissions from 2 submitters: Likely pathogenic (1). 2 of the submissions do not count toward it.

Conditions:
Dentici-Novelli neurodevelopmental syndrome. Identifiers: MedGen C5676987, MONDO:0859251, OMIM 619877.
Intellectual disability. Also called: Intellectual functioning disability; intellectual disabilities; Intellectual developmental disorder. Identifiers: MedGen C3714756, MeSH D008607, MONDO:0001071, HP:0001249.
Noonan-like facies. Identifiers: MedGen CN228297.
Pulmonic stenosis. Also called: Pulmonic stenosis (disease). Identifiers: Orphanet 3189, MedGen C1956257, MONDO:0009938, OMIM 265500, HP:0001642.

Allele frequency attached by ClinVar (database versions not stated): gnomAD exomes 0.00001.
gnomAD v4.1: 3 of 1,613,984 alleles (0.00019%); highest among the groups gnomAD compares: Middle Eastern, 0.049%; no homozygotes.

Submissions (3):

Genomic Medicine Center of Excellence, King Faisal Specialist Hospital and Research Centre
Classification: Likely pathogenic. Review status: criteria provided, single submitter. Criteria: ACMG Guidelines, 2015. Collection method: research. Allele origin: germline. Affected: yes.

OMIM
Classification: Pathogenic for DENTICI-NOVELLI NEURODEVELOPMENTAL SYNDROME. Last evaluated: 2015-01-13. Review status: no assertion criteria provided. Collection method: literature only. Allele origin: germline. Not counted in ClinVar's aggregate classification.

Genomic Medicine Center of Excellence, King Faisal Specialist Hospital and Research Centre
Classification: Likely pathogenic for Intellectual disability; Noonan-like facies; Pulmonary stenosis. Last evaluated: 2014-12-01. Review status: flagged submission. Criteria: research. Collection method: research. Allele origin: germline. Affected: yes. Not counted in ClinVar's aggregate classification.
ClinVar note: Reason: This record appears to be redundant with a more recent record from the same submitter.
ClinVar note: Notes: SCV000196394 appears to be redundant with SCV000221481.

Literature cited by the submitters: PubMed 25558065 (cited by OMIM and Genomic Medicine Center of Excellence, King Faisal Specialist Hospital and Research Centre).